The following is an entry in ClinVar:

ClinVar aggregate classification (germline): Uncertain significance (1 of 4 stars; one submission).

Conditions:
Dyskeratosis congenita, autosomal recessive 6 (DKCB6). Identifiers: MedGen C4225356, MONDO:0014600, OMIM 616353.
Pulmonary fibrosis and/or bone marrow failure, Telomere-related, 4. Also called: PULMONARY FIBROSIS AND/OR BONE MARROW FAILURE SYNDROME, TELOMERE-RELATED, 4. Identifiers: Orphanet 2032, MedGen C4225347, MONDO:0014612, OMIM 616371.

Allele frequency attached by ClinVar (database versions not stated): TOPMed below 0.00001; gnomAD 0.00001.
gnomAD v4.1: 1 of 1,596,718 alleles (0.000063%); highest among the groups gnomAD compares: African/African-American, 0.0013%; no homozygotes.

Submission:

Labcorp Genetics (formerly Invitae), Labcorp
Classification: Uncertain significance for Dyskeratosis congenita, autosomal recessive 6; Pulmonary fibrosis and/or bone marrow failure, Telomere-related, 4. Last evaluated: 2022-06-24. Review status: criteria provided, single submitter. Criteria: Invitae Variant Classification Sherloc (09022015). Collection method: clinical testing. Allele origin: germline.
Comment: This sequence change replaces alanine, which is neutral and non-polar, with glycine, which is neutral and non-polar, at codon 117 of the PARN protein (p.Ala117Gly). This variant is not present in population databases (gnomAD no frequency). This variant has not been reported in the literature in individuals affected with PARN-related conditions. ClinVar contains an entry for this variant (Variation ID: 935755). Algorithms developed to predict the effect of missense changes on protein structure and function are either unavailable or do not agree on the potential impact of this missense change (SIFT: "Deleterious"; PolyPhen-2: "Possibly Damaging"; Align-GVGD: "Class C0"). In summary, the available evidence is currently insufficient to determine the role of this variant in disease. Therefore, it has been classified as a Variant of Uncertain Significance.

NM_002582.4(PARN):c.350C>G (p.Ala117Gly)

Gene: PARN (poly(A)-specific ribonuclease; minus strand). Cytogenetic location: 16p13.12.
Variant type: single nucleotide variant.
Coding change: c.350C>G on transcript NM_002582.4 (MANE Select); coding-DNA position 350, C replaced by G.
Protein change: p.Ala117Gly; replaces alanine 117 with glycine.
Molecular consequence: missense variant.
Genome position (GRCh38, 1-based): chr16:14,617,628, G>C on the plus strand (C>G on the coding strand, the complement: PARN is on the minus strand). VCF-style: chr16-14617628-G-C. GRCh37 (hg19) VCF-style: chr16-14711485-G-C.
Other names: c.167C>G, p.Ala56Gly (NM_001134477.3); c.212C>G, p.Ala71Gly (NM_001242992.2); short protein forms A71G, A117G, A56G.
Identifiers: ClinVar variation 935755 (VCV000935755.10), dbSNP rs1972010104, ClinGen allele CA394813202.